The following is an entry in ClinVar:

NM_001424.6(EMP2):c.78+1G>C

Gene: EMP2 (epithelial membrane protein 2; minus strand). Cytogenetic location: 16p13.13.
Variant type: single nucleotide variant.
Coding change: c.78+1G>C on transcript NM_001424.6 (MANE Select); the canonical splice donor site of the intron after coding-DNA position 78, G replaced by C.
Molecular consequence: splice donor variant.
Genome position (GRCh38, 1-based): chr16:10,547,539, C>G on the plus strand (G>C on the coding strand, the complement: EMP2 is on the minus strand). VCF-style: chr16-10547539-C-G. GRCh37 (hg19) VCF-style: chr16-10641396-C-G.
Identifiers: ClinVar variation 3237408 (VCV003237408.1), dbSNP rs747072310.

ClinVar aggregate classification (germline): Likely pathogenic (1 of 4 stars; one submission).

Conditions:
Nephrotic syndrome, type 10 (NPHS10). Identifiers: MedGen C4014507, MONDO:0014373, OMIM 615861.

Allele frequency attached by ClinVar (database versions not stated): ExAC 0.00001; gnomAD 0.00007.
gnomAD v4.1: 53 of 1,613,876 alleles (0.0033%); highest among the groups gnomAD compares: Admixed American, 0.013%; no homozygotes.

Submission:

Clinical Genomics Laboratory, Washington University in St. Louis
Classification: Likely pathogenic for Nephrotic syndrome, type 10. Last evaluated: 2023-12-05. Review status: criteria provided, single submitter. Criteria: ACMG Guidelines, 2015. Collection method: clinical testing. Allele origin: germline. Affected: yes.
Comment: The EMP2 c.78+1G>C variant, to our knowledge, has not been reported in the medical literature. It occurs within the canonical splice donor site, which is predicted to affect splicing. The highest population minor allele frequency in the population database genome aggregation database (gnomAD v4.0.0) is 0.003% in the European (non-Finnish) population which is consistent with the carrier frequency of nephrotic syndrome, type 10. Based on available information, and based on ACMG/AMP guidelines for variant interpretation (Richards S et al., PMID: 25741868), this variant is classified as likely pathogenic.